The following is an entry in ClinVar:

ClinVar aggregate classification (germline): Uncertain significance. Review status: criteria provided, multiple submitters, no conflicts (2 of 4 stars). 2 submissions from 2 submitters: Uncertain significance (2). Last evaluated 2025-08-11.

Allele frequency attached by ClinVar (database versions not stated): ExAC 0.00003; ESP Exome Variant Server 0.00008; TOPMed 0.00008; gnomAD 0.00011.
gnomAD v4.1: 184 of 1,612,954 alleles (0.011%); highest among the groups gnomAD compares: Non-Finnish European, 0.014%; no homozygotes.

Submissions (2):

Ambry Genetics
Classification: Uncertain significance. Last evaluated: 2025-08-11. Review status: criteria provided, single submitter. Criteria: Ambry Variant Classification Scheme 2023. Collection method: clinical testing. Allele origin: germline.

Labcorp Genetics (formerly Invitae), Labcorp
Classification: Uncertain significance. Last evaluated: 2023-08-04. Review status: criteria provided, single submitter. Criteria: Invitae Variant Classification Sherloc (09022015). Collection method: clinical testing. Allele origin: germline.
Comment: This sequence change replaces proline, which is neutral and non-polar, with leucine, which is neutral and non-polar, at codon 724 of the PLEKHG2 protein (p.Pro724Leu). This variant is present in population databases (rs372365865, gnomAD 0.01%). This variant has not been reported in the literature in individuals affected with PLEKHG2-related conditions. ClinVar contains an entry for this variant (Variation ID: 2061412). An algorithm developed to predict the effect of missense changes on protein structure and function (PolyPhen-2) suggests that this variant¬†is likely to be tolerated. In summary, the available evidence is currently insufficient to determine the role of this variant in disease. Therefore, it has been classified as a Variant of Uncertain Significance.

NM_022835.3(PLEKHG2):c.2171C>T (p.Pro724Leu)

Gene: PLEKHG2 (pleckstrin homology and RhoGEF domain containing G2; plus strand). Cytogenetic location: 19q13.2.
Variant type: single nucleotide variant.
Coding change: c.2171C>T on transcript NM_022835.3 (MANE Select); coding-DNA position 2171, C replaced by T.
Protein change: p.Pro724Leu; replaces proline 724 with leucine.
Molecular consequence: missense variant. On other transcripts: intron variant (1).
Genome position (GRCh38, 1-based): chr19:39,423,225, C>T. VCF-style: chr19-39423225-C-T. GRCh37 (hg19) VCF-style: chr19-39913865-C-T.
Other names: c.2171C>T (NM_022835.2); c.1994C>T, p.Pro665Leu (NM_001351693.2); c.1677+937C>T (NM_001351694.2); short protein forms P665L, P724L.
Identifiers: ClinVar variation 2061412 (VCV002061412.5), dbSNP rs372365865, ClinGen allele CA9429716.